The following is an entry in ClinVar:

NM_000294.3(PHKG2):c.646C>A (p.Leu216Ile)

Gene: PHKG2 (phosphorylase kinase catalytic subunit gamma 2; plus strand). Cytogenetic location: 16p11.2.
Variant type: single nucleotide variant.
Coding change: c.646C>A on transcript NM_000294.3 (MANE Select); coding-DNA position 646, C replaced by A.
Protein change: p.Leu216Ile; replaces leucine 216 with isoleucine.
Molecular consequence: missense variant.
Genome position (GRCh38, 1-based): chr16:30,756,271, C>A. VCF-style: chr16-30756271-C-A. GRCh37 (hg19) VCF-style: chr16-30767592-C-A.
Other names: c.646C>A, p.Leu216Ile (NM_001172432.2); short protein forms L216I.
Identifiers: ClinVar variation 1032296 (VCV001032296.1), dbSNP rs2053424230, ClinGen allele CA395658492.

ClinVar aggregate classification (germline): Uncertain significance (1 of 4 stars; one submission).

Conditions:
Glycogen storage disease IXc (GSD9C). Also called: GSD IXc. Identifiers: Orphanet 264580, MedGen C2751643, MONDO:0013091, OMIM 613027.

Submission:

Baylor Genetics
Classification: Uncertain significance for Glycogen storage disease IXc. Last evaluated: 2018-07-16. Review status: criteria provided, single submitter. Criteria: ACMG Guidelines, 2015. Collection method: clinical testing. Allele origin: paternal. Affected: yes.
Comment: This variant was determined to be of uncertain significance according to ACMG Guidelines, 2015 [PMID:25741868].